The following is an entry in ClinVar:

ClinVar aggregate classification (germline): Uncertain significance. Review status: criteria provided, multiple submitters, no conflicts (2 of 4 stars). 6 submissions from 6 submitters: Uncertain significance (6). Last evaluated 2025-09-22.

Conditions:
Hereditary cancer-predisposing syndrome. Also called: Neoplastic Syndromes, Hereditary; Hereditary neoplastic syndrome; Tumor predisposition; Hereditary Cancer Syndrome. Identifiers: Orphanet 140162, MedGen C0027672, MeSH D009386, MONDO:0015356.
POLD1-related polyposis and colorectal cancer syndrome (CRCS10). Also called: Colorectal cancer 10; COLORECTAL CANCER, SUSCEPTIBILITY TO, ON CHROMOSOME 19q; Colorectal cancer, susceptibility to, 10. Identifiers: Orphanet 220460, MedGen C2675481, MONDO:0012953, OMIM 612591.

Allele frequency attached by ClinVar (database versions not stated): gnomAD 0.00001; gnomAD exomes 0.00001 and 0.00002; TOPMed 0.00001; ExAC 0.00005; 1000 Genomes Project 30x 0.00016; 1000 Genomes Project 0.00020.
gnomAD v4.1: 20 of 1,612,092 alleles (0.0012%); highest among the groups gnomAD compares: East Asian, 0.0067%; no homozygotes.

Submissions (6):

Labcorp Genetics (formerly Invitae), Labcorp
Classification: Uncertain significance for POLD1-related polyposis and colorectal cancer syndrome. Last evaluated: 2025-09-22. Review status: criteria provided, single submitter. Criteria: Invitae Variant Classification Sherloc (09022015). Collection method: clinical testing. Allele origin: germline.
Comment: This sequence change replaces alanine, which is neutral and non-polar, with valine, which is neutral and non-polar, at codon 108 of the POLD1 protein (p.Ala108Val). This variant is present in population databases (rs577686721, gnomAD 0.01%). This variant has not been reported in the literature in individuals affected with POLD1-related conditions. ClinVar contains an entry for this variant (Variation ID: 469330). An algorithm developed to predict the effect of missense changes on protein structure and function (PolyPhen-2) suggests that this variant is likely to be tolerated. In summary, the available evidence is currently insufficient to determine the role of this variant in disease. Therefore, it has been classified as a Variant of Uncertain Significance.

Center for Genomic Medicine, Rigshospitalet, Copenhagen University Hospital
Classification: Uncertain significance. Last evaluated: 2025-03-04. Review status: criteria provided, single submitter. Criteria: ACMG Guidelines, 2015. Collection method: clinical testing. Allele origin: germline.

Ambry Genetics
Classification: Uncertain significance for Hereditary cancer-predisposing syndrome. Last evaluated: 2025-02-16. Review status: criteria provided, single submitter. Criteria: Ambry Variant Classification Scheme 2023. Collection method: clinical testing. Allele origin: germline.
Comment: The p.A108V variant (also known as c.323C>T), located in coding exon 3 of the POLD1 gene, results from a C to T substitution at nucleotide position 323. The alanine at codon 108 is replaced by valine, an amino acid with similar properties. This amino acid position is conserved. In addition, this alteration is predicted to be tolerated by in silico analysis. Based on the available evidence, the clinical significance of this variant remains unclear.

Dasa
Classification: Uncertain significance. Last evaluated: 2024-12-11. Review status: criteria provided, single submitter. Criteria: DASA Assertion Criteria. Collection method: clinical testing. Allele origin: germline.
Comment: NM_002691.4(POLD1):c.323C>T (p.Ala108Val) is a missense variant that results in the substitution of alanine with valine. This variant is rare in population databases. Computational prediction algorithms are consistent with a benign effect. The currently available literature and clinical evidence are not sufficient to establish a definitive association between this variant and the reported condition. Therefore, this variant is classified as a variant of uncertain significance.

GeneDx
Classification: Uncertain significance. Last evaluated: 2024-10-16. Review status: criteria provided, single submitter. Criteria: GeneDx Variant Classification Process June 2021. Collection method: clinical testing. Allele origin: germline. Affected: yes.
Comment: In silico analysis indicates that this missense variant does not alter protein structure/function; Has not been previously published as pathogenic or benign to our knowledge

Quest Diagnostics Nichols Institute San Juan Capistrano
Classification: Uncertain significance. Last evaluated: 2017-10-23. Review status: criteria provided, single submitter. Criteria: Quest Diagnostics criteria. Collection method: clinical testing. Allele origin: germline.

NM_002691.4(POLD1):c.323C>T (p.Ala108Val)

Gene: POLD1 (DNA polymerase delta 1, catalytic subunit; plus strand). Cytogenetic location: 19q13.33.
Variant type: single nucleotide variant.
Coding change: c.323C>T on transcript NM_002691.4 (MANE Select); coding-DNA position 323, C replaced by T.
Protein change: p.Ala108Val; replaces alanine 108 with valine.
Molecular consequence: missense variant. On other transcripts: non-coding transcript variant (1).
Genome position (GRCh38, 1-based): chr19:50,401,784, C>T. VCF-style: chr19-50401784-C-T. GRCh37 (hg19) VCF-style: chr19-50905041-C-T.
Other names: c.323C>T, p.Ala108Val (NM_001256849.1, NM_001308632.1); c.323C>T (NM_002691.2); short protein forms A108V.
Identifiers: ClinVar variation 469330 (VCV000469330.21), dbSNP rs577686721, ClinGen allele CA9595700.